The following is an entry in ClinVar:

ClinVar aggregate classification (germline): Uncertain significance. Review status: criteria provided, single submitter (1 of 4 stars). 2 submissions from 2 submitters: Uncertain significance (1). 1 of the submissions does not count toward it. Last evaluated 2025-12-01.

Conditions:
GNAS-related disorder. Identifiers: MedGen CN380105.

gnomAD v4.1: 23 of 1,546,150 alleles (0.0015%); highest among the groups gnomAD compares: Admixed American, 0.018%; no homozygotes.

Submissions (2):

CeGaT Center for Human Genetics Tuebingen
Classification: Uncertain significance. Last evaluated: 2025-12-01. Review status: criteria provided, single submitter. Criteria: CeGaT Center For Human Genetics Tuebingen Variant Classification Criteria Version 2. Collection method: clinical testing. Allele origin: germline. Affected: yes. Observed: 1 variant allele.
Comment: GNAS: PM2

PreventionGenetics, part of Exact Sciences
Classification: Uncertain significance for GNAS-related condition. Last evaluated: 2024-08-05. Review status: no assertion criteria provided. Collection method: clinical testing. Allele origin: germline. Not counted in ClinVar's aggregate classification.
Comment: The GNAS c.10C>T variant is predicted to result in the amino acid substitution p.Arg4Cys. Of note, in the more commonly reported transcript (NM_000516.5) this variant is pre-coding (c.-38452C>T). To our knowledge, this variant has not been reported in the literature. This variant is reported in 0.016% of alleles in individuals of Latino descent in gnomAD. Although we suspect that this variant may be benign, at this time, the clinical significance of this variant is uncertain due to the absence of conclusive functional and genetic evidence.

NM_080425.4(GNAS):c.10C>T (p.Arg4Cys)

Gene: GNAS (GNAS complex locus; plus strand). Cytogenetic location: 20q13.32.
Variant type: single nucleotide variant.
Coding change: c.10C>T on transcript NM_080425.4 (MANE Plus Clinical); coding-DNA position 10, C replaced by T.
Protein change: p.Arg4Cys; replaces arginine 4 with cysteine.
Molecular consequence: missense variant. On other transcripts: 5 prime UTR variant (2), intron variant (3).
Genome position (GRCh38, 1-based): chr20:58,853,275, C>T. VCF-style: chr20-58853275-C-T. GRCh37 (hg19) VCF-style: chr20-57428330-C-T.
Other names: c.-178C>T (NM_001077490.3, NM_001309883.1); c.10C>T, p.Arg4Cys (NM_001410913.1); c.*42+12389C>T (NM_016592.5); c.43+12389C>T (NM_001410912.1); c.-39+11400C>T (NM_001309861.2); short protein forms R4C.
Identifiers: ClinVar variation 3357972 (VCV003357972.6).